The following is an entry in ClinVar:

NM_000384.3(APOB):c.13489T>G (p.Tyr4497Asp)

Gene: APOB (apolipoprotein B; minus strand). Cytogenetic location: 2p24.1.
Variant type: single nucleotide variant.
Coding change: c.13489T>G on transcript NM_000384.3 (MANE Select); coding-DNA position 13489, T replaced by G.
Protein change: p.Tyr4497Asp; replaces tyrosine 4497 with aspartic acid.
Molecular consequence: missense variant.
Genome position (GRCh38, 1-based): chr2:21,001,933, A>C on the plus strand (T>G on the coding strand, the complement: APOB is on the minus strand). VCF-style: chr2-21001933-A-C. GRCh37 (hg19) VCF-style: chr2-21224805-A-C.
Other names: c.13489T>G (NM_000384.2); short protein forms Y4497D.
Identifiers: ClinVar variation 1026267 (VCV001026267.14), dbSNP rs751629013, ClinGen allele CA345967297.

ClinVar aggregate classification (germline): Uncertain significance. Review status: criteria provided, multiple submitters, no conflicts (2 of 4 stars). 2 submissions from 2 submitters: Uncertain significance (2). Last evaluated 2025-08-28.

Conditions:
Familial hypobetalipoproteinemia 1. Also called: APOB-Related Familial Hypobetalipoproteinemia; Hypobetalipoproteinemia, normotriglyceridemic; Acanthocytosis with hypobetalipoproteinemia. Identifiers: MedGen C4551990, MONDO:0014252, OMIM 615558.
Hypercholesterolemia, autosomal dominant, type B (FHCL2). Also called: APOLIPOPROTEIN B-100, FAMILIAL DEFECTIVE; APOLIPOPROTEIN B-100, FAMILIAL LIGAND-DEFECTIVE; HYPERCHOLESTEROLEMIA, FAMILIAL, DUE TO LIGAND-DEFECTIVE APOLIPOPROTEIN B; Hyperlipoproteinemia Type IIb; Familial hypercholesterolemia 2; Familial Hypercholesterolemia Type B. Identifiers: MedGen C1704417, MONDO:0007751, OMIM 144010.
Cardiovascular phenotype. Identifiers: MedGen CN230736.

Allele frequency attached by ClinVar (database versions not stated): TOPMed 0.00002.
gnomAD v4.1: 2 of 1,613,952 alleles (0.00012%); highest among the groups gnomAD compares: African/African-American, 0.0027%; no homozygotes.

Submissions (2):

Ambry Genetics
Classification: Uncertain significance for Cardiovascular phenotype. Last evaluated: 2025-08-28. Review status: criteria provided, single submitter. Criteria: Ambry Variant Classification Scheme 2023. Collection method: clinical testing. Allele origin: germline.
Comment: The p.Y4497D variant (also known as c.13489T>G), located in coding exon 29 of the APOB gene, results from a T to G substitution at nucleotide position 13489. The tyrosine at codon 4497 is replaced by aspartic acid, an amino acid with highly dissimilar properties. This amino acid position is conserved. In addition, this alteration is predicted to be tolerated by in silico analysis. Since supporting evidence is limited at this time, the clinical significance of this alteration remains unclear.

Labcorp Genetics (formerly Invitae), Labcorp
Classification: Uncertain significance for Familial hypobetalipoproteinemia 1; Hypercholesterolemia, autosomal dominant, type B. Last evaluated: 2020-05-04. Review status: criteria provided, single submitter. Criteria: Invitae Variant Classification Sherloc (09022015). Collection method: clinical testing. Allele origin: germline.
Comment: This sequence change replaces tyrosine with aspartic acid at codon 4497 of the APOB protein (p.Tyr4497Asp). The tyrosine residue is weakly conserved and there is a large physicochemical difference between tyrosine and aspartic acid. This variant is not present in population databases (ExAC no frequency). In summary, the available evidence is currently insufficient to determine the role of this variant in disease. Therefore, it has been classified as a Variant of Uncertain Significance. Algorithms developed to predict the effect of missense changes on protein structure and function (SIFT, PolyPhen-2, Align-GVGD) all suggest that this variant is likely to be tolerated, but these predictions have not been confirmed by published functional studies and their clinical significance is uncertain. This variant has been observed in individual(s) with clinical features of familial hypercholesterolemia (Invitae).